The following is an entry in ClinVar:

NM_000018.4(ACADVL):c.573_580delinsTTT (p.Gly193fs)

Gene: ACADVL (acyl-CoA dehydrogenase very long chain; plus strand). Cytogenetic location: 17p13.1.
Variant type: Indel.
Coding change: c.573_580delinsTTT on transcript NM_000018.4 (MANE Select); coding-DNA positions 573 to 580, CTTTGGCA replaced by TTT.
Protein change: p.Gly193fs; shifts the reading frame from glycine 193.
Molecular consequence: frameshift variant.
Genome position (GRCh38, 1-based): chr17:7,221,633-7,221,640, CTTTGGCA replaced by TTT. VCF-style: chr17-7221633-CTTTGGCA-TTT. GRCh37 (hg19) VCF-style: chr17-7124952-CTTTGGCA-TTT.
Other names: c.507_514delinsTTT, p.Gly171fs (NM_001033859.3); c.642_649delinsTTT, p.Gly216fs (NM_001270447.2); c.345_352delinsTTT, p.Gly117fs (NM_001270448.2); short protein forms G117fs, G193fs, G216fs, G171fs.
Identifiers: ClinVar variation 432271 (VCV000432271.2), dbSNP rs1555528188, ClinGen allele CA645373068.
Genomic context (GRCh38, chr17:7,221,633, plus strand): 5'-CCTTGGCGTGGGCATTACCCTGGGGGCCCATCAGAGCATCGGTTTCAAAGGCATCCTGCT[CTTTGGCA>TTT]CAAAGGCCCAGAAAGAAAAATACCTCCCCAAGCTGGCATCTGGTGAGGCAACCCTAGGAG-3'

ClinVar aggregate classification (germline): Likely pathogenic (1 of 4 stars; one submission).

Submission:

GeneDx
Classification: Likely pathogenic. Last evaluated: 2017-05-23. Review status: criteria provided, single submitter. Criteria: GeneDx Variant Classification (06012015). Collection method: clinical testing. Allele origin: germline. Affected: yes.
Comment: The c.573_580del8insTTT variant has not been published as a pathogenic variant, nor has it been reported as a benign variant to our knowledge. The c.573_580del8insTTT variant is not observed in large population cohorts (Lek et al., 2016; 1000 Genomes Consortium et al., 2015; Exome Variant Server). The c.573_580del8insTTT variant causes a frameshift starting with codon Glycine 193, changes this amino acid to a Lysine residue and creates a premature Stop codon at position 58 of the new reading frame, denoted p.Gly193LysfsX58. This variant is predicted to cause loss of normal protein function either through protein truncation or nonsense-mediated mRNA decay. In summary, we interpret this variant as likely pathogenic.